The following is an entry in ClinVar:

NM_004990.4(MARS1):c.1387G>T (p.Glu463Ter)

Gene: MARS1 (methionyl-tRNA synthetase 1; plus strand). Cytogenetic location: 12q13.3.
Variant type: single nucleotide variant.
Coding change: c.1387G>T on transcript NM_004990.4 (MANE Select); coding-DNA position 1387, G replaced by T.
Protein change: p.Glu463Ter; replaces glutamic acid 463 with a stop codon.
Molecular consequence: nonsense.
Genome position (GRCh38, 1-based): chr12:57,511,716, G>T. VCF-style: chr12-57511716-G-T. GRCh37 (hg19) VCF-style: chr12-57905499-G-T.
Other names: short protein forms E463*.
Identifiers: ClinVar variation 1681734 (VCV001681734.7), dbSNP rs1313001176, ClinGen allele CA385460990.

ClinVar aggregate classification (germline): Conflicting classifications of pathogenicity. Review status: criteria provided, conflicting classifications (1 of 4 stars). 2 submissions from 2 submitters: Likely pathogenic (1); Uncertain significance (1). Last evaluated 2024-11-19.

Conditions:
Charcot-Marie-Tooth disease axonal type 2U. Also called: CHARCOT-MARIE-TOOTH NEUROPATHY, TYPE 2U; CHARCOT-MARIE-TOOTH DISEASE, AXONAL, AUTOSOMAL DOMINANT, TYPE 2U. Identifiers: Orphanet 397735, MedGen C4084821, MONDO:0014566, OMIM 616280.
Severe early-onset pulmonary alveolar proteinosis due to MARS deficiency. Also called: PULMONARY ALVEOLAR PROTEINOSIS, REUNION ISLAND; Interstitial lung and liver disease. Identifiers: Orphanet 440427, MedGen C4225400, MONDO:0014206, OMIM 615486.
MARS-related disorder.

Allele frequency attached by ClinVar (database versions not stated): gnomAD exomes below 0.00001; TOPMed below 0.00001; gnomAD 0.00001.
gnomAD v4.1: 8 of 1,614,092 alleles (0.0005%); highest among the groups gnomAD compares: Non-Finnish European, 0.00068%; no homozygotes.

Submissions (2):

Blueprint Genetics
Classification: Likely pathogenic for MARS-related disorders. Last evaluated: 2024-11-19. Review status: criteria provided, single submitter. Criteria: ACMG Guidelines, 2015. Collection method: clinical testing. Allele origin: germline. Affected: yes. Observed: 3 variant alleles.

Labcorp Genetics (formerly Invitae), Labcorp
Classification: Uncertain significance for Charcot-Marie-Tooth disease axonal type 2U; Severe early-onset pulmonary alveolar proteinosis due to MARS deficiency. Last evaluated: 2023-11-13. Review status: criteria provided, single submitter. Criteria: Invitae Variant Classification Sherloc (09022015). Collection method: clinical testing. Allele origin: germline.
Comment: This sequence change creates a premature translational stop signal (p.Glu463*) in the MARS gene. It is expected to result in an absent or disrupted protein product. However, the current clinical and genetic evidence is not sufficient to establish whether loss-of-function variants in MARS cause disease. This variant is present in population databases (no rsID available, gnomAD 0.0009%). This variant has not been reported in the literature in individuals affected with MARS-related conditions. ClinVar contains an entry for this variant (Variation ID: 1681734). In summary, the available evidence is currently insufficient to determine the role of this variant in disease. Therefore, it has been classified as a Variant of Uncertain Significance.